The following is an entry in ClinVar:

NM_207352.4(CYP4V2):c.1258G>A (p.Val420Ile)

Gene: CYP4V2 (cytochrome P450 family 4 subfamily V member 2; plus strand). Cytogenetic location: 4q35.2.
Variant type: single nucleotide variant.
Coding change: c.1258G>A on transcript NM_207352.4 (MANE Select); coding-DNA position 1258, G replaced by A.
Protein change: p.Val420Ile; replaces valine 420 with isoleucine.
Molecular consequence: missense variant.
Genome position (GRCh38, 1-based): chr4:186,209,125, G>A. VCF-style: chr4-186209125-G-A. GRCh37 (hg19) VCF-style: chr4-187130279-G-A.
Other names: c.1258G>A (NM_207352.3); short protein forms V420I.
Identifiers: ClinVar variation 1363936 (VCV001363936.7), dbSNP rs1044405297, ClinGen allele CA112135002.
Genomic context (GRCh38, chr4:186,209,125, plus strand): 5'-TCATAATGTATTGACTACTTCTTGACAGCAGGTTACAGAGTTCTAAAAGGCACTGAAGCC[G>A]TCATCATTCCCTATGCATTGCACAGAGATCCGAGATACTTCCCCAACCCCGAGGAGTTCC-3'
Protein context (NP_997235.3, residues 410-430): GYRVLKGTEA[Val420Ile]IIPYALHRDP

ClinVar aggregate classification (germline): Uncertain significance. Review status: criteria provided, single submitter (1 of 4 stars). 2 submissions from 2 submitters: Uncertain significance (1). 1 of the submissions does not count toward it. Last evaluated 2023-11-27.

Conditions:
CYP4V2-related disorder. Also called: CYP4V2-related disorders; CYP4V2-related condition.

Allele frequency attached by ClinVar (database versions not stated): gnomAD 0.00001 and 0.00002.
gnomAD v4.1: 38 of 1,614,082 alleles (0.0024%); highest among the groups gnomAD compares: South Asian, 0.013%; no homozygotes.

Submissions (2):

Labcorp Genetics (formerly Invitae), Labcorp
Classification: Uncertain significance. Last evaluated: 2023-11-27. Review status: criteria provided, single submitter. Criteria: Invitae Variant Classification Sherloc (09022015). Collection method: clinical testing. Allele origin: germline.
Comment: This sequence change replaces valine, which is neutral and non-polar, with isoleucine, which is neutral and non-polar, at codon 420 of the CYP4V2 protein (p.Val420Ile). This variant is present in population databases (no rsID available, gnomAD 0.006%). This variant has not been reported in the literature in individuals affected with CYP4V2-related conditions. ClinVar contains an entry for this variant (Variation ID: 1363936). Advanced modeling of protein sequence and biophysical properties (such as structural, functional, and spatial information, amino acid conservation, physicochemical variation, residue mobility, and thermodynamic stability) performed at Invitae indicates that this missense variant is not expected to disrupt CYP4V2 protein function with a negative predictive value of 80%. In summary, the available evidence is currently insufficient to determine the role of this variant in disease. Therefore, it has been classified as a Variant of Uncertain Significance.

PreventionGenetics, part of Exact Sciences
Classification: Uncertain significance for CYP4V2-related condition. Last evaluated: 2024-09-09. Review status: no assertion criteria provided. Collection method: clinical testing. Allele origin: germline. Not counted in ClinVar's aggregate classification.
Comment: The CYP4V2 c.1258G>A variant is predicted to result in the amino acid substitution p.Val420Ile. To our knowledge, this variant has not been reported in the literature. This variant is reported in 0.0065% of alleles in individuals of South Asian descent in gnomAD. At this time, the clinical significance of this variant is uncertain due to the absence of conclusive functional and genetic evidence.